The following is an entry in ClinVar:

NM_033028.5(BBS4):c.187C>T (p.Gln63Ter)

Gene: BBS4 (Bardet-Biedl syndrome 4; plus strand). Cytogenetic location: 15q24.1.
Variant type: single nucleotide variant.
Coding change: c.187C>T on transcript NM_033028.5 (MANE Select); coding-DNA position 187, C replaced by T.
Protein change: p.Gln63Ter; replaces glutamine 63 with a stop codon.
Molecular consequence: nonsense. On other transcripts: 5 prime UTR variant (1), non-coding transcript variant (2).
Genome position (GRCh38, 1-based): chr15:72,712,274, C>T. VCF-style: chr15-72712274-C-T. GRCh37 (hg19) VCF-style: chr15-73004615-C-T.
Other names: c.-335C>T (NM_001252678.2); c.187C>T, p.Gln63Ter (NM_001320665.2); short protein forms Q63*.
Identifiers: ClinVar variation 1172704 (VCV001172704.7), dbSNP rs1338469029, ClinGen allele CA393076093.

ClinVar aggregate classification (germline): Pathogenic. Review status: criteria provided, multiple submitters, no conflicts (2 of 4 stars). 2 submissions from 2 submitters: Pathogenic (2). Last evaluated 2022-12-31.

Conditions:
Bardet-Biedl syndrome (BBS). Identifiers: Orphanet 110, MedGen C0752166, MONDO:0015229.
Bardet-Biedl syndrome 4 (BBS4). Identifiers: Orphanet 110, MedGen C2936864, MONDO:0014433, OMIM 615982.

Allele frequency attached by ClinVar (database versions not stated): gnomAD exomes below 0.00001 and 0.00001.
gnomAD v4.1: 3 of 1,614,104 alleles (0.00019%); highest among the groups gnomAD compares: Admixed American, 0.0033%; no homozygotes.

Submissions (2):

Labcorp Genetics (formerly Invitae), Labcorp
Classification: Pathogenic for Bardet-Biedl syndrome. Last evaluated: 2022-12-31. Review status: criteria provided, single submitter. Criteria: Invitae Variant Classification Sherloc (09022015). Collection method: clinical testing. Allele origin: germline.
Comment: This sequence change creates a premature translational stop signal (p.Gln63*) in the BBS4 gene. It is expected to result in an absent or disrupted protein product. Loss-of-function variants in BBS4 are known to be pathogenic (PMID: 11381270, 12016587, 20177705, 27894351). For these reasons, this variant has been classified as Pathogenic. ClinVar contains an entry for this variant (Variation ID: 1172704). This variant has not been reported in the literature in individuals affected with BBS4-related conditions. This variant is present in population databases (no rsID available, gnomAD 0.006%).

DBGen Ocular Genomics
Classification: Pathogenic for Bardet-Biedl syndrome 4. Last evaluated: 2021-05-19. Review status: criteria provided, single submitter. Criteria: ACMG Guidelines, 2015. Collection method: clinical testing. Allele origin: germline. Affected: yes. Observed: 1 variant allele.

Literature cited by the submitters: PubMed 11381270 (cited by Labcorp Genetics (formerly Invitae), Labcorp); PubMed 12016587 (cited by Labcorp Genetics (formerly Invitae), Labcorp); PubMed 20177705 (cited by Labcorp Genetics (formerly Invitae), Labcorp); PubMed 27894351 (cited by Labcorp Genetics (formerly Invitae), Labcorp).